The following is an entry in ClinVar:

ClinVar aggregate classification (germline): Uncertain significance (1 of 4 stars; one submission).

Conditions:
Inborn genetic diseases. Identifiers: MedGen C0950123, MeSH D030342.

Submission:

Ambry Genetics
Classification: Uncertain significance for Inborn genetic diseases. Last evaluated: 2025-01-31. Review status: criteria provided, single submitter. Criteria: Ambry Variant Classification Scheme 2023. Collection method: clinical testing. Allele origin: germline.
Comment: The p.P93R variant (also known as c.278C>G), located in coding exon 3 of the PAX5 gene, results from a C to G substitution at nucleotide position 278. The proline at codon 93 is replaced by arginine, an amino acid with dissimilar properties. This amino acid position is conserved. In addition, this alteration is predicted to be deleterious by in silico analysis. Based on the available evidence, the clinical significance of this variant remains unclear.

NM_016734.3(PAX5):c.278C>G (p.Pro93Arg)

Gene: PAX5 (paired box 5; minus strand). Cytogenetic location: 9p13.2.
Variant type: single nucleotide variant.
Coding change: c.278C>G on transcript NM_016734.3 (MANE Select); coding-DNA position 278, C replaced by G.
Protein change: p.Pro93Arg; replaces proline 93 with arginine.
Molecular consequence: missense variant. On other transcripts: 5 prime UTR variant (2), non-coding transcript variant (2), intron variant (1).
Genome position (GRCh38, 1-based): chr9:37,015,129, G>C on the plus strand (C>G on the coding strand, the complement: PAX5 is on the minus strand). VCF-style: chr9-37015129-G-C. GRCh37 (hg19) VCF-style: chr9-37015126-G-C.
Other names: c.278C>G, p.Pro93Arg (NM_001280547.2, NM_001280548.2, NM_001280549.2 and 4 more transcripts); c.-47C>G (NM_001280551.2, NM_001280556.2); c.212+5507C>G (NM_001280555.2); short protein forms P93R.
Identifiers: ClinVar variation 3885939 (VCV003885939.1).